The following is an entry in ClinVar:

NM_001292034.3(TAB2):c.1782G>T (p.Gln594His)

Gene: TAB2 (TGF-beta activated kinase 1 (MAP3K7) binding protein 2; plus strand). Cytogenetic location: 6q25.1.
Variant type: single nucleotide variant.
Coding change: c.1782G>T on transcript NM_001292034.3 (MANE Select); coding-DNA position 1782, G replaced by T.
Protein change: p.Gln594His; replaces glutamine 594 with histidine.
Molecular consequence: missense variant.
Genome position (GRCh38, 1-based): chr6:149,397,986, G>T. VCF-style: chr6-149397986-G-T. GRCh37 (hg19) VCF-style: chr6-149719122-G-T.
Other names: c.1686G>T, p.Gln562His (NM_001292035.3); c.1782G>T, p.Gln594His (NM_001369506.1, NM_015093.6); short protein forms Q562H, Q594H.
Identifiers: ClinVar variation 4741618 (VCV004741618.1).
Genomic context (GRCh38, chr6:149,397,986, plus strand): 5'-AAGAATTCAGTGCAAATCTTACTTACATAGAATTATTTTTCAGCTTGAAGAAATGCAGCA[G>T]CTGAGAAGTTGTAATAGACAACTCCAGATTGACATTGACTGCTTAACCAAAGAAATTGAT-3'
Protein context (NP_001278963.1, residues 584-604): SQIPSLEEMQ[Gln594His]LRSCNRQLQI

ClinVar aggregate classification (germline): Uncertain significance (1 of 4 stars; one submission).

gnomAD v4.1: 2 of 1,613,634 alleles (0.00012%); highest among the groups gnomAD compares: South Asian, 0.0011%; no homozygotes.

Submission:

Labcorp Genetics (formerly Invitae), Labcorp
Classification: Uncertain significance. Last evaluated: 2025-10-14. Review status: criteria provided, single submitter. Criteria: Invitae Variant Classification Sherloc (09022015). Collection method: clinical testing. Allele origin: germline.
Comment: This sequence change replaces glutamine, which is neutral and polar, with histidine, which is basic and polar, at codon 594 of the TAB2 protein (p.Gln594His). This variant is present in population databases (rs759368961, gnomAD 0.0009%). This variant has not been reported in the literature in individuals affected with TAB2-related conditions. Invitae Evidence Modeling of protein sequence and biophysical properties (such as structural, functional, and spatial information, amino acid conservation, physicochemical variation, residue mobility, and thermodynamic stability) indicates that this missense variant is not expected to disrupt TAB2 protein function with a negative predictive value of 80%. In summary, the available evidence is currently insufficient to determine the role of this variant in disease. Therefore, it has been classified as a Variant of Uncertain Significance.